The following is an entry in ClinVar:

NM_006767.4(LZTR1):c.17_21delinsCCCC (p.Ser6fs)

Genes: LZTR1 (leucine zipper like post translational regulator 1; plus strand), LOC130067016 (ATAC-STARR-seq lymphoblastoid silent region 13504; plus strand). Cytogenetic location: 22q11.21.
Variant type: Indel.
Coding change: c.17_21delinsCCCC on transcript NM_006767.4 (MANE Select); coding-DNA positions 17 to 21, GCACG replaced by CCCC.
Protein change: p.Ser6fs; shifts the reading frame from serine 6.
Molecular consequence: frameshift variant.
Genome position (GRCh38, 1-based): chr22:20,982,388-20,982,392, GCACG replaced by CCCC. VCF-style: chr22-20982388-GCACG-CCCC. GRCh37 (hg19) VCF-style: chr22-21336677-GCACG-CCCC.
Other names: short protein forms S6fs.
Identifiers: ClinVar variation 5006452 (VCV005006452.2).

ClinVar aggregate classification (germline): Likely pathogenic (1 of 4 stars; one submission).

Conditions:
LZTR1-related schwannomatosis. Also called: Schwannomatosis-2, susceptibility to; Schwannomatosis 2. Identifiers: Orphanet 93921, MedGen C3810283, MONDO:0014299, OMIM 615670.

Submission:

Juno Genomics, Hangzhou Juno Genomics, Inc
Classification: Likely pathogenic for LZTR1-related schwannomatosis. Review status: criteria provided, single submitter. Criteria: ACMG Guidelines, 2015. Collection method: clinical testing. Allele origin: germline.
Comment: Null variant in a gene where loss of function (LOF) is a known mechanism of disease.;Absent from controls (or at extremely low frequency if recessive) in Genome Aggregation Database.